The following is an entry in ClinVar:

NC_000010.10:g.(?_21185867)_(21186134_?)del

Gene: NEBL (nebulette; minus strand). Cytogenetic location: 10p12.31.
Variant type: Deletion.
Identifiers: ClinVar variation 3244804 (VCV003244804.1).

ClinVar aggregate classification (germline): Uncertain significance (1 of 4 stars; one submission).

Conditions:
Primary dilated cardiomyopathy (DCM). Also called: Dilated Cardiomyopathy. Identifiers: Orphanet 217604, MedGen C0007193, MeSH D002311, MONDO:0005021, HP:0001644. Inheritance: Various modes of inheritance.

Submission:

Labcorp Genetics (formerly Invitae), Labcorp
Classification: Uncertain significance for Primary dilated cardiomyopathy. Last evaluated: 2022-08-12. Review status: criteria provided, single submitter. Criteria: Invitae Variant Classification Sherloc (09022015). Collection method: clinical testing. Allele origin: unknown.
Comment: In summary, the available evidence is currently insufficient to determine the role of this variant in disease. Therefore, it has been classified as a Variant of Uncertain Significance. This variant has not been reported in the literature in individuals affected with NEBL-related conditions. This variant is a gross deletion of the genomic region encompassing exon(s) 1-2 of the NEBL gene, which includes the initiator codon. This deletion extends beyond the assayed region for this gene and therefore may encompass additional genes. It is expected to result in an absent or disrupted protein product. However, the current clinical and genetic evidence is not sufficient to establish whether loss-of-function variants in NEBL cause disease.